The following is an entry in ClinVar:

ClinVar aggregate classification (germline): Conflicting classifications of pathogenicity. Review status: criteria provided, conflicting classifications (1 of 4 stars). 9 submissions from 9 submitters: Pathogenic (2); Likely pathogenic (5); Uncertain significance (1). 1 of the submissions does not count toward it. Last evaluated 2025-06-04.

Conditions:
Muscular dystrophy, limb-girdle, autosomal dominant 4. Also called: Calpain-3-related limb-girdle muscular dystrophy D4; MUSCULAR DYSTROPHY, LIMB-GIRDLE, TYPE 1I. Identifiers: Orphanet 565909, MedGen C4748295, MONDO:0029133, OMIM 618129.
Autosomal recessive limb-girdle muscular dystrophy type 2A (LGMDR1). Also called: Calpainopathy; MUSCULAR DYSTROPHY, PELVOFEMORAL; Limb-girdle muscular dystrophy, type 2A; Muscular dystrophy, limb-girdle, type 2A, Amish; LEYDEN-MOEBIUS MUSCULAR DYSTROPHY. Identifiers: Orphanet 267, MedGen C1869123, MONDO:0009675, OMIM 253600. Disease mechanism: loss of function.

Allele frequency attached by ClinVar (database versions not stated): gnomAD exomes below 0.00001; gnomAD 0.00001 and 0.00002; TOPMed 0.00001.
gnomAD v4.1: 3 of 1,459,734 alleles (0.00021%); highest among the groups gnomAD compares: African/African-American, 0.0042%; no homozygotes.

Submissions (9):

Myriad Genetics, Inc.
Classification: Likely pathogenic for Autosomal recessive limb-girdle muscular dystrophy type 2A. Last evaluated: 2025-06-04. Review status: criteria provided, single submitter. Criteria: Myriad Autosomal Dominant, Autosomal Recessive and X-Linked Classification Criteria (2023). Collection method: clinical testing. Allele origin: unknown.
Comment: NM_000070.2(CAPN3):c.2440-1G>A is a variant in a canonical splice site classified as likely pathogenic in the context of calpainopathy. c.2440-1G>A has been observed in cases with relevant disease (PMID: 38356676, 30564623). Relevant functional assessments of this variant are available in the literature (PMID: 38356676). c.2440-1G>A has been observed in referenced population frequency databases. In summary, NM_000070.2(CAPN3):c.2440-1G>A is a variant in a canonical splice site that has been observed more frequently in cases with the relevant disease than in healthy populations. Please note: this variant was assessed in the context of healthy population screening.

Athena Diagnostics
Classification: Uncertain significance. Last evaluated: 2025-02-21. Review status: criteria provided, single submitter. Criteria: Athena Diagnostics Criteria. Collection method: clinical testing. Allele origin: unknown.
Comment: Available data are insufficient to determine the clinical significance of the variant at this time. The frequency of this variant in the general population is uninformative in assessment of its pathogenicity. This variant has been identified in at least one individual with clinical features associated with limb-girdle muscular dystrophy (LGMD). Experimental evidence suggests this variant is not expected to cause loss of protein expression through nonsense-mediated decay. However, it may still disrupt protein function (PMID: 38356676).

Natera, Inc.
Classification: Likely pathogenic for Limb-girdle muscular dystrophy type 2A. Last evaluated: 2024-11-08. Review status: criteria provided, single submitter. Criteria: Natera Variant Classification Schema (03/2026). Collection method: clinical testing. Allele origin: germline.
Comment: The c.2440-1G>A variant in CAPN3 is a canonical splice acceptor site variant predicted to affect pre-mRNA splicing, which may result in an abnormal transcript and altered protein product. This variant may result in a truncated or dysfunctional protein product. This variant is rare in the general population with a frequency below the threshold expected for the associated phenotype(s). Functional studies show that this variant may disrupt protein function (PMID: 38356676). Given the available evidence, this variant is classified as Likely Pathogenic.

Fulgent Genetics
Classification: Likely pathogenic for Autosomal recessive limb-girdle muscular dystrophy type 2A; Muscular dystrophy, limb-girdle, autosomal dominant 4. Last evaluated: 2024-05-02. Review status: criteria provided, single submitter. Criteria: ACMG Guidelines, 2015. Collection method: clinical testing. Allele origin: germline.

Baylor Genetics
Classification: Likely pathogenic for Muscular dystrophy, limb-girdle, autosomal dominant 4. Last evaluated: 2024-03-20. Review status: criteria provided, single submitter. Criteria: ACMG Guidelines, 2015. Collection method: clinical testing. Allele origin: unknown.

Labcorp Genetics (formerly Invitae), Labcorp
Classification: Pathogenic for Autosomal recessive limb-girdle muscular dystrophy type 2A. Last evaluated: 2023-12-15. Review status: criteria provided, single submitter. Criteria: Invitae Variant Classification Sherloc (09022015). Collection method: clinical testing. Allele origin: germline.
Comment: This sequence change affects an acceptor splice site in intron 23 of the CAPN3 gene. While this variant is not anticipated to result in nonsense mediated decay, it likely alters RNA splicing and results in a disrupted protein product. This variant is present in population databases (no rsID available, gnomAD 0.007%). Disruption of this splice site has been observed in individual(s) with clinical features of autosomal recessive limb-girdle muscular dystrophy (PMID: 26886200; Invitae). In at least one individual the data is consistent with being in trans (on the opposite chromosome) from a pathogenic variant. ClinVar contains an entry for this variant (Variation ID: 288971). Variants that disrupt the consensus splice site are a relatively common cause of aberrant splicing (PMID: 17576681, 9536098). Algorithms developed to predict the effect of sequence changes on RNA splicing suggest that this variant may disrupt the consensus splice site. For these reasons, this variant has been classified as Pathogenic.

Revvity Omics, Revvity
Classification: Likely pathogenic. Last evaluated: 2019-03-18. Review status: criteria provided, single submitter. Criteria: ACMG Guidelines, 2015. Collection method: clinical testing. Allele origin: germline.

Eurofins Ntd Llc (ga)
Classification: Pathogenic. Last evaluated: 2017-05-12. Review status: criteria provided, single submitter. Criteria: EGL Classification Definitions 2015. Collection method: clinical testing. Allele origin: germline. Observed: 2 variant alleles, 2 heterozygotes.

Counsyl
Classification: Likely pathogenic for Autosomal recessive limb-girdle muscular dystrophy type 2A. Last evaluated: 2019-07-12. Review status: no assertion criteria provided. Collection method: clinical testing. Allele origin: unknown. Not counted in ClinVar's aggregate classification.

Literature cited by the submitters: PubMed 30564623 (cited by Myriad Genetics, Inc.); PubMed 38356676 (cited by 3 submitters); PubMed 26886200 (cited by Athena Diagnostics and Labcorp Genetics (formerly Invitae), Labcorp); PubMed 38361118 (cited by Athena Diagnostics); PubMed 17576681 (cited by Labcorp Genetics (formerly Invitae), Labcorp); PubMed 9536098 (cited by Labcorp Genetics (formerly Invitae), Labcorp).

NM_000070.3(CAPN3):c.2440-1G>A

Gene: CAPN3 (calpain 3; plus strand). Cytogenetic location: 15q15.1.
Variant type: single nucleotide variant.
Coding change: c.2440-1G>A on transcript NM_000070.3 (MANE Select); the canonical splice acceptor site of the intron before coding-DNA position 2440, G replaced by A.
Molecular consequence: splice acceptor variant.
Genome position (GRCh38, 1-based): chr15:42,411,746, G>A. VCF-style: chr15-42411746-G-A. GRCh37 (hg19) VCF-style: chr15-42703944-G-A.
Other names: c.2422-1G>A (NM_024344.2); c.2164-1G>A (NM_173087.2); c.904-1G>A (NM_173088.2); c.445-1G>A (NM_173090.2, NM_173089.2).
Identifiers: ClinVar variation 288971 (VCV000288971.24), dbSNP rs886044052, ClinGen allele CA10606282.